The following is an entry in ClinVar:

NM_006440.5(TXNRD2):c.1077C>T (p.Asp359=)

Gene: TXNRD2 (thioredoxin reductase 2; minus strand). Cytogenetic location: 22q11.21.
Variant type: single nucleotide variant.
Coding change: c.1077C>T on transcript NM_006440.5 (MANE Select); coding-DNA position 1077, C replaced by T.
Protein change: p.Asp359=; no amino-acid change (aspartic acid 359 retained).
Molecular consequence: synonymous variant. On other transcripts: non-coding transcript variant (1).
Genome position (GRCh38, 1-based): chr22:19,883,334, G>A on the plus strand (C>T on the coding strand, the complement: TXNRD2 is on the minus strand). VCF-style: chr22-19883334-G-A. GRCh37 (hg19) VCF-style: chr22-19870857-G-A.
Other names: c.1074C>T, p.Asp358= (NM_001352300.2); c.987C>T, p.Asp329= (NM_001352301.2); c.789C>T, p.Asp263= (NM_001352302.2).
Identifiers: ClinVar variation 414281 (VCV000414281.45), dbSNP rs147383232, ClinGen allele CA10103847.

ClinVar aggregate classification (germline): Benign/Likely benign. Review status: criteria provided, multiple submitters, no conflicts (2 of 4 stars). 6 submissions from 6 submitters: Benign (1); Likely benign (3). 2 of the submissions do not count toward it. Last evaluated 2026-01-16.

Conditions:
Cardiovascular phenotype. Identifiers: MedGen CN230736.
Primary dilated cardiomyopathy (DCM). Also called: Dilated Cardiomyopathy. Identifiers: Orphanet 217604, MedGen C0007193, MeSH D002311, MONDO:0005021, HP:0001644. Inheritance: Various modes of inheritance.

Allele frequency attached by ClinVar (database versions not stated): gnomAD 0.00021 and 0.00030; gnomAD exomes 0.00024 and 0.00069; TOPMed 0.00054; ExAC 0.00067; 1000 Genomes Project 30x 0.00141; 1000 Genomes Project 0.00180.
gnomAD v4.1: 388 of 1,613,730 alleles (0.024%); highest among the groups gnomAD compares: East Asian, 0.78%; 2 homozygotes.

Submissions (6):

Labcorp Genetics (formerly Invitae), Labcorp
Classification: Benign for Primary dilated cardiomyopathy. Last evaluated: 2026-01-16. Review status: criteria provided, single submitter. Criteria: Invitae Variant Classification Sherloc (09022015). Collection method: clinical testing. Allele origin: germline.

CeGaT Center for Human Genetics Tuebingen
Classification: Likely benign. Last evaluated: 2023-01-01. Review status: criteria provided, single submitter. Criteria: CeGaT Center For Human Genetics Tuebingen Variant Classification Criteria Version 2. Collection method: clinical testing. Allele origin: germline. Affected: yes. Observed: 1 variant allele.
Comment: TXNRD2: BP4, BP7

GeneDx
Classification: Likely benign. Last evaluated: 2021-01-11. Review status: criteria provided, single submitter. Criteria: GeneDx Variant Classification Process June 2021. Collection method: clinical testing. Allele origin: germline. Affected: yes.

Ambry Genetics
Classification: Likely benign for Cardiovascular phenotype. Last evaluated: 2017-03-20. Review status: criteria provided, single submitter. Criteria: Ambry Variant Classification Scheme 2023. Collection method: clinical testing. Allele origin: germline.

Clinical Genetics DNA and cytogenetics Diagnostics Lab, Erasmus MC, Erasmus Medical Center
Classification: Likely benign. Review status: no assertion criteria provided. Collection method: clinical testing. Allele origin: germline. Affected: yes. Study: VKGL Data-share Consensus. Not counted in ClinVar's aggregate classification.

Diagnostic Laboratory, Department of Genetics, University Medical Center Groningen
Classification: Likely benign. Review status: no assertion criteria provided. Collection method: clinical testing. Allele origin: germline. Affected: yes. Study: VKGL Data-share Consensus. Not counted in ClinVar's aggregate classification.